The following is an entry in ClinVar:

NM_024675.4(PALB2):c.3388G>C (p.Ala1130Pro)

Gene: PALB2 (partner and localizer of BRCA2; minus strand). Cytogenetic location: 16p12.2.
Variant type: single nucleotide variant.
Coding change: c.3388G>C on transcript NM_024675.4 (MANE Select); coding-DNA position 3388, G replaced by C.
Protein change: p.Ala1130Pro; replaces alanine 1130 with proline.
Molecular consequence: missense variant.
Genome position (GRCh38, 1-based): chr16:23,603,632, C>G on the plus strand (G>C on the coding strand, the complement: PALB2 is on the minus strand). VCF-style: chr16-23603632-C-G. GRCh37 (hg19) VCF-style: chr16-23614953-C-G.
Other names: c.2503G>C, p.Ala835Pro (NM_001407306.1, NM_001407304.1, NM_001407305.1); c.2341G>C, p.Ala781Pro (NM_001407307.1); c.2266G>C, p.Ala756Pro (NM_001407308.1, NM_001407309.1); c.*23G>C (NM_001407310.1, NM_001407311.1, NM_001407313.1 and 2 more transcripts); c.1600G>C, p.Ala534Pro (NM_001407312.1); c.922G>C, p.Ala308Pro (NM_001407314.1); c.3328G>C, p.Ala1110Pro (NM_001407296.1); c.3316G>C, p.Ala1106Pro (NM_001407297.1); and 3 more; short protein forms A1037P, A534P, A756P, A835P, A1130P, A308P, A1106P, A781P.
Identifiers: ClinVar variation 1730868 (VCV001730868.2), dbSNP rs2142254906, ClinGen allele CA395138273.

ClinVar aggregate classification (germline): Uncertain significance (1 of 4 stars; one submission).

Conditions:
Hereditary cancer-predisposing syndrome. Also called: Neoplastic Syndromes, Hereditary; Tumor predisposition; Hereditary Cancer Syndrome; Hereditary neoplastic syndrome. Identifiers: Orphanet 140162, MedGen C0027672, MeSH D009386, MONDO:0015356.

Submission:

Ambry Genetics
Classification: Uncertain significance for Hereditary cancer-predisposing syndrome. Last evaluated: 2020-11-11. Review status: criteria provided, single submitter. Criteria: Ambry Variant Classification Scheme 2023. Collection method: clinical testing. Allele origin: germline.
Comment: The p.A1130P variant (also known as c.3388G>C), located in coding exon 13 of the PALB2 gene, results from a G to C substitution at nucleotide position 3388. The alanine at codon 1130 is replaced by proline, an amino acid with highly similar properties. This amino acid position is highly conserved in available vertebrate species. In addition, the in silico prediction for this alteration is inconclusive. Since supporting evidence is limited at this time, the clinical significance of this alteration remains unclear.